The following is an entry in ClinVar:

NM_001379081.2(FREM1):c.4064A>C (p.His1355Pro)

Gene: FREM1 (FRAS1 related extracellular matrix 1; minus strand). Cytogenetic location: 9p22.3.
Variant type: single nucleotide variant.
Coding change: c.4064A>C on transcript NM_001379081.2 (MANE Select); coding-DNA position 4064, A replaced by C.
Protein change: p.His1355Pro; replaces histidine 1355 with proline.
Molecular consequence: missense variant. On other transcripts: non-coding transcript variant (1).
Genome position (GRCh38, 1-based): chr9:14,789,032, T>G on the plus strand (A>C on the coding strand, the complement: FREM1 is on the minus strand). VCF-style: chr9-14789032-T-G. GRCh37 (hg19) VCF-style: chr9-14789030-T-G.
Other names: c.4064A>C, p.His1355Pro (NM_144966.7); short protein forms H1355P.
Identifiers: ClinVar variation 1050512 (VCV001050512.1), dbSNP rs763901210, ClinGen allele CA372966711.

ClinVar aggregate classification (germline): Uncertain significance (0 of 4 stars; one submission).

Submission:

Department of Pathology and Laboratory Medicine, Sinai Health System
Classification: Uncertain significance. Review status: no assertion criteria provided. Collection method: clinical testing. Allele origin: unknown. Affected: yes. Study: The Canadian Open Genetics Repository (COGR).
Comment: The FREM1 p.His1355Pro variant was not identified in the literature nor was it identified in dbSNP, ClinVar, Cosmic or LOVD 3.0. The variant was not identified in the following control databases: the 1000 Genomes Project, the NHLBI GO Exome Sequencing Project, the Exome Aggregation Consortium (August 8th 2016), or the Genome Aggregation Database (March 6, 2019, v2.1.1). The p.His1355 residue is conserved across mammals and other organisms, and four out of five computational analyses (PolyPhen-2, SIFT, AlignGVGD, BLOSUM, MutationTaster) suggest that the variant may impact the protein; however, this information is not predictive enough to assume pathogenicity. The variant occurs outside of the splicing consensus sequence and in silico or computational prediction software programs (SpliceSiteFinder, MaxEntScan, NNSPLICE, GeneSplicer) do not predict a difference in splicing. In summary, based on the above information the clinical significance of this variant cannot be determined with certainty at this time. This variant is classified as a variant of uncertain significance.